The following is an entry in ClinVar:

ClinVar aggregate classification (germline): Conflicting classifications of pathogenicity. Review status: criteria provided, conflicting classifications (1 of 4 stars). 3 submissions from 3 submitters: Uncertain significance (2); Likely benign (1). Last evaluated 2025-12-18.

Conditions:
Usher syndrome type 2C. Also called: Usher syndrome, type 2B; USHER SYNDROME, TYPE IIC. Identifiers: Orphanet 231178, Orphanet 886, MedGen C2931213, MONDO:0011558, OMIM 605472.

Allele frequency attached by ClinVar (database versions not stated): gnomAD exomes 0.00005; ExAC 0.00006.
gnomAD v4.1: 50 of 1,613,604 alleles (0.0031%); highest among the groups gnomAD compares: East Asian, 0.06%; 1 homozygote.

Submissions (3):

Labcorp Genetics (formerly Invitae), Labcorp
Classification: Likely benign. Last evaluated: 2025-12-18. Review status: criteria provided, single submitter. Criteria: Invitae Variant Classification Sherloc (09022015). Collection method: clinical testing. Allele origin: germline.

GeneDx
Classification: Uncertain significance. Last evaluated: 2023-08-03. Review status: criteria provided, single submitter. Criteria: GeneDx Variant Classification Process June 2021. Collection method: clinical testing. Allele origin: germline. Affected: yes.
Comment: Reported in the heterozygous state in a patient with juvenile myoclonic epilepsy in published literature (Lee et al., 2018); In silico analysis supports that this missense variant does not alter protein structure/function; This variant is associated with the following publications: (PMID: 29924869)

Genetics and Molecular Pathology, SA Pathology
Classification: Uncertain significance for Usher syndrome type 2C. Last evaluated: 2020-11-26. Review status: criteria provided, single submitter. Criteria: ACMG Guidelines, 2015. Collection method: clinical testing. Allele origin: germline. Affected: yes.

NM_032119.4(ADGRV1):c.13340G>A (p.Gly4447Asp)

Gene: ADGRV1 (adhesion G protein-coupled receptor V1; plus strand). Cytogenetic location: 5q14.3.
Variant type: single nucleotide variant.
Coding change: c.13340G>A on transcript NM_032119.4 (MANE Select); coding-DNA position 13340, G replaced by A.
Protein change: p.Gly4447Asp; replaces glycine 4447 with aspartic acid.
Molecular consequence: missense variant. On other transcripts: non-coding transcript variant (1).
Genome position (GRCh38, 1-based): chr5:90,783,232, G>A. VCF-style: chr5-90783232-G-A. GRCh37 (hg19) VCF-style: chr5-90079049-G-A.
Other names: c.13340G>A (NM_032119.3); short protein forms G4447D.
Identifiers: ClinVar variation 1492186 (VCV001492186.9), dbSNP rs532839486, ClinGen allele CA3341503.